The following is an entry in ClinVar:

ClinVar aggregate classification (germline): Uncertain significance (1 of 4 stars; one submission).

Allele frequency attached by ClinVar (database versions not stated): gnomAD exomes below 0.00001.
gnomAD v4.1: 2 of 1,601,348 alleles (0.00012%); highest among the groups gnomAD compares: South Asian, 0.0011%; no homozygotes.

Submission:

Ambry Genetics
Classification: Uncertain significance. Last evaluated: 2019-12-20. Review status: criteria provided, single submitter. Criteria: Ambry Variant Classification Scheme 2023. Collection method: clinical testing. Allele origin: germline.
Comment: The p.I774V variant (also known as c.2320A>G), located in coding exon 21 of the IKBKAP gene, results from an A to G substitution at nucleotide position 2320. The isoleucine at codon 774 is replaced by valine, an amino acid with highly similar properties. This amino acid position is not well conserved in available vertebrate species. In addition, this alteration is predicted to be tolerated by in silico analysis. Since supporting evidence is limited at this time, the clinical significance of this alteration remains unclear.

NM_003640.5(ELP1):c.2320A>G (p.Ile774Val)

Gene: ELP1 (elongator acetyltransferase complex subunit 1; minus strand). Cytogenetic location: 9q31.3.
Variant type: single nucleotide variant.
Coding change: c.2320A>G on transcript NM_003640.5 (MANE Select); coding-DNA position 2320, A replaced by G.
Protein change: p.Ile774Val; replaces isoleucine 774 with valine.
Molecular consequence: missense variant.
Genome position (GRCh38, 1-based): chr9:108,898,545, T>C on the plus strand (A>G on the coding strand, the complement: ELP1 is on the minus strand). VCF-style: chr9-108898545-T-C. GRCh37 (hg19) VCF-style: chr9-111660825-T-C.
Other names: c.1978A>G, p.Ile660Val (NM_001318360.2); c.1273A>G, p.Ile425Val (NM_001330749.2); short protein forms I425V, I660V, I774V.
Identifiers: ClinVar variation 1800416 (VCV001800416.2), dbSNP rs1370184609, ClinGen allele CA374421850.